The following is an entry in ClinVar:

NM_005591.4(MRE11):c.1895C>T (p.Ser632Phe)

Gene: MRE11 (MRE11 double strand break repair nuclease; minus strand). Cytogenetic location: 11q21.
Variant type: single nucleotide variant.
Coding change: c.1895C>T on transcript NM_005591.4 (MANE Select); coding-DNA position 1895, C replaced by T.
Protein change: p.Ser632Phe; replaces serine 632 with phenylalanine.
Molecular consequence: missense variant.
Genome position (GRCh38, 1-based): chr11:94,437,208, G>A on the plus strand (C>T on the coding strand, the complement: MRE11 is on the minus strand). VCF-style: chr11-94437208-G-A. GRCh37 (hg19) VCF-style: chr11-94170374-G-A.
Other names: c.1892C>T, p.Ser631Phe (NM_001330347.2); c.1811C>T, p.Ser604Phe (NM_005590.4); short protein forms S604F, S631F, S632F.
Identifiers: ClinVar variation 2141196 (VCV002141196.5), dbSNP rs2134840513, ClinGen allele CA382374747.
Genomic context (GRCh38, chr11:94,437,208, plus strand): 5'-ATACACAACCATAAAACTTTTTTTCTTACCTCTGAATAATTCTTAGTAGTGACATTTCGG[G>A]AAGGCTGCTGTCTTGTAGATTTAAAGGCTAGAATGAAAAAGATGAAATGTGCATTATGTT-3'
Protein context (NP_005582.1, residues 622-642): DAFKSTRQQP[Ser632Phe]RNVTTKNYSE

ClinVar aggregate classification (germline): Uncertain significance. Review status: criteria provided, multiple submitters, no conflicts (2 of 4 stars). 2 submissions from 2 submitters: Uncertain significance (2). Last evaluated 2023-11-16.

Conditions:
Ataxia-telangiectasia-like disorder (ATLD). Identifiers: MedGen C1858391, MONDO:0011457.
Hereditary cancer-predisposing syndrome. Also called: Neoplastic Syndromes, Hereditary; Hereditary Cancer Syndrome; Tumor predisposition; Hereditary neoplastic syndrome. Identifiers: Orphanet 140162, MedGen C0027672, MeSH D009386, MONDO:0015356.

Allele frequency attached by ClinVar (database versions not stated): gnomAD exomes below 0.00001.
gnomAD v4.1: 1 of 1,612,928 alleles (0.000062%); highest among the groups gnomAD compares: South Asian, 0.0011%; no homozygotes.

Submissions (2):

Ambry Genetics
Classification: Uncertain significance for Hereditary cancer-predisposing syndrome. Last evaluated: 2023-11-16. Review status: criteria provided, single submitter. Criteria: Ambry Variant Classification Scheme 2023. Collection method: clinical testing. Allele origin: germline.
Comment: The p.S632F variant (also known as c.1895C>T), located in coding exon 16 of the MRE11A gene, results from a C to T substitution at nucleotide position 1895. The serine at codon 632 is replaced by phenylalanine, an amino acid with highly dissimilar properties. This amino acid position is conserved. In addition, this alteration is predicted to be tolerated by in silico analysis. Since supporting evidence is limited at this time, the clinical significance of this alteration remains unclear.

Labcorp Genetics (formerly Invitae), Labcorp
Classification: Uncertain significance for Ataxia-telangiectasia-like disorder. Last evaluated: 2022-04-16. Review status: criteria provided, single submitter. Criteria: Invitae Variant Classification Sherloc (09022015). Collection method: clinical testing. Allele origin: germline.
Comment: This variant has not been reported in the literature in individuals affected with MRE11-related conditions. In summary, the available evidence is currently insufficient to determine the role of this variant in disease. Therefore, it has been classified as a Variant of Uncertain Significance. Algorithms developed to predict the effect of missense changes on protein structure and function are either unavailable or do not agree on the potential impact of this missense change (SIFT: "Deleterious"; PolyPhen-2: "Benign"; Align-GVGD: "Class C15"). This variant is not present in population databases (gnomAD no frequency). This sequence change replaces serine, which is neutral and polar, with phenylalanine, which is neutral and non-polar, at codon 632 of the MRE11 protein (p.Ser632Phe).